The following is an entry in ClinVar:

NM_144585.4(SLC22A12):c.427G>A (p.Ala143Thr)

Gene: SLC22A12 (solute carrier family 22 member 12; plus strand). Cytogenetic location: 11q13.1.
Variant type: single nucleotide variant.
Coding change: c.427G>A on transcript NM_144585.4 (MANE Select); coding-DNA position 427, G replaced by A.
Protein change: p.Ala143Thr; replaces alanine 143 with threonine.
Molecular consequence: missense variant. On other transcripts: 5 prime UTR variant (1).
Genome position (GRCh38, 1-based): chr11:64,592,803, G>A. VCF-style: chr11-64592803-G-A. GRCh37 (hg19) VCF-style: chr11-64360275-G-A.
Other names: c.427G>A, p.Ala143Thr (NM_001276326.2, NM_001276327.2); c.-82G>A (NM_153378.3); c.427G>A (NM_144585.3); short protein forms A143T.
Identifiers: ClinVar variation 3599963 (VCV003599963.2).

ClinVar aggregate classification (germline): Uncertain significance. Review status: criteria provided, multiple submitters, no conflicts (2 of 4 stars). 2 submissions from 2 submitters: Uncertain significance (2). Last evaluated 2024-07-30.

Conditions:
Dalmatian hypouricemia (RHUC1). Identifiers: MedGen C0473219, MONDO:0020728, OMIM 220150.

Submissions (2):

GeneDx
Classification: Uncertain significance. Last evaluated: 2024-07-30. Review status: criteria provided, single submitter. Criteria: GeneDx Variant Classification Process June 2021. Collection method: clinical testing. Allele origin: germline. Affected: yes.
Comment: In silico analysis indicates that this missense variant does not alter protein structure/function; Has not been previously published as pathogenic or benign to our knowledge

Fulgent Genetics
Classification: Uncertain significance for Dalmatian hypouricemia. Last evaluated: 2024-04-20. Review status: criteria provided, single submitter. Criteria: ACMG Guidelines, 2015. Collection method: clinical testing. Allele origin: germline.